The following is an entry in ClinVar:

NM_020458.4(TTC7A):c.899A>G (p.Tyr300Cys)

Gene: TTC7A (tetratricopeptide repeat domain 7A; plus strand). Cytogenetic location: 2p21.
Variant type: single nucleotide variant.
Coding change: c.899A>G on transcript NM_020458.4 (MANE Select); coding-DNA position 899, A replaced by G.
Protein change: p.Tyr300Cys; replaces tyrosine 300 with cysteine.
Molecular consequence: missense variant. On other transcripts: intron variant (1).
Genome position (GRCh38, 1-based): chr2:46,994,412, A>G. VCF-style: chr2-46994412-A-G. GRCh37 (hg19) VCF-style: chr2-47221551-A-G.
Other names: c.899A>G, p.Tyr300Cys (NM_001288951.2, LRG_1323t1); c.797A>G, p.Tyr266Cys (NM_001288953.2); c.-61-724A>G (NM_001288955.2); short protein forms Y300C, Y266C.
Identifiers: ClinVar variation 664814 (VCV000664814.30), dbSNP rs146719089, ClinGen allele CA1647405.

ClinVar aggregate classification (germline): Uncertain significance. Review status: criteria provided, multiple submitters, no conflicts (2 of 4 stars). 3 submissions from 3 submitters: Uncertain significance (3). Last evaluated 2025-09-30.

Conditions:
Multiple gastrointestinal atresias. Also called: Multiple intestinal atresia; FAMILIAL INTESTINAL POLYATRESIA SYNDROME. Identifiers: Orphanet 2300, MedGen C0220744, MONDO:0009465.

Allele frequency attached by ClinVar (database versions not stated): TOPMed 0.00016; ESP Exome Variant Server 0.00031.

Submissions (3):

Labcorp Genetics (formerly Invitae), Labcorp
Classification: Uncertain significance for Multiple gastrointestinal atresias. Last evaluated: 2025-09-30. Review status: criteria provided, single submitter. Criteria: Invitae Variant Classification Sherloc (09022015). Collection method: clinical testing. Allele origin: germline.
Comment: This sequence change replaces tyrosine, which is neutral and polar, with cysteine, which is neutral and slightly polar, at codon 300 of the TTC7A protein (p.Tyr300Cys). This variant is present in population databases (rs146719089, gnomAD 0.02%). This variant has not been reported in the literature in individuals affected with TTC7A-related conditions. ClinVar contains an entry for this variant (Variation ID: 664814). Invitae Evidence Modeling of protein sequence and biophysical properties (such as structural, functional, and spatial information, amino acid conservation, physicochemical variation, residue mobility, and thermodynamic stability) indicates that this missense variant is expected to disrupt TTC7A protein function with a positive predictive value of 80%. In summary, the available evidence is currently insufficient to determine the role of this variant in disease. Therefore, it has been classified as a Variant of Uncertain Significance.

Blueprint Genetics
Classification: Uncertain significance. Last evaluated: 2024-09-20. Review status: criteria provided, single submitter. Criteria: ACMG Guidelines, 2015. Collection method: clinical testing. Allele origin: germline.

CeGaT Center for Human Genetics Tuebingen
Classification: Uncertain significance. Last evaluated: 2024-01-01. Review status: criteria provided, single submitter. Criteria: CeGaT Center For Human Genetics Tuebingen Variant Classification Criteria Version 2. Collection method: clinical testing. Allele origin: germline. Affected: yes. Observed: 1 variant allele.